The following is an entry in ClinVar:

NM_206933.4(USH2A):c.10341C>T (p.Ala3447=)

Gene: USH2A (usherin; minus strand). Cytogenetic location: 1q41.
Variant type: single nucleotide variant.
Coding change: c.10341C>T on transcript NM_206933.4 (MANE Select); coding-DNA position 10341, C replaced by T.
Protein change: p.Ala3447=; no amino-acid change (alanine 3447 retained).
Molecular consequence: synonymous variant.
Genome position (GRCh38, 1-based): chr1:215,786,716, G>A on the plus strand (C>T on the coding strand, the complement: USH2A is on the minus strand). VCF-style: chr1-215786716-G-A. GRCh37 (hg19) VCF-style: chr1-215960058-G-A.
Identifiers: ClinVar variation 197944 (VCV000197944.22), dbSNP rs372015149, ClinGen allele CA246349.

ClinVar aggregate classification (germline): Conflicting classifications of pathogenicity. Review status: criteria provided, conflicting classifications (1 of 4 stars). 5 submissions from 5 submitters: Uncertain significance (1); Likely benign (3). 1 of the submissions does not count toward it. Last evaluated 2025-12-10.

Conditions:
Usher syndrome type 2A. Also called: RETINAL DISEASE IN USHER SYNDROME TYPE IIA, MODIFIER OF; USHER SYNDROME, TYPE IIA. Identifiers: Orphanet 231178, Orphanet 886, MedGen C1848634, MONDO:0010169, OMIM 276901.

Allele frequency attached by ClinVar (database versions not stated): gnomAD exomes 0.00004; ExAC 0.00007; gnomAD 0.00011 and 0.00013; ESP Exome Variant Server 0.00015; 1000 Genomes Project 30x 0.00016; TOPMed 0.00017; 1000 Genomes Project 0.00020.
gnomAD v4.1: 116 of 1,613,878 alleles (0.0072%); highest among the groups gnomAD compares: African/African-American, 0.032%; no homozygotes.

Submissions (5):

Labcorp Genetics (formerly Invitae), Labcorp
Classification: Likely benign. Last evaluated: 2025-12-10. Review status: criteria provided, single submitter. Criteria: Invitae Variant Classification Sherloc (09022015). Collection method: clinical testing. Allele origin: germline.

Blueprint Genetics
Classification: Likely benign. Last evaluated: 2024-10-16. Review status: criteria provided, single submitter. Criteria: ACMG Guidelines, 2015. Collection method: clinical testing. Allele origin: germline.

Eurofins Ntd Llc (ga)
Classification: Uncertain significance. Last evaluated: 2014-11-17. Review status: criteria provided, single submitter. Criteria: EGL Classification Definitions 2015. Collection method: clinical testing. Allele origin: germline. Observed: 1 variant allele, 1 heterozygote.

Laboratory for Molecular Medicine, Mass General Brigham Personalized Medicine
Classification: Likely benign. Last evaluated: 2012-04-30. Review status: criteria provided, single submitter. Criteria: LMM Criteria. Collection method: clinical testing. Allele origin: germline. Observed: 1 variant allele.
Comment: Ala3447Ala in Exon 52 of USH2A: This variant is not expected to have clinical si gnificance because it does not alter an amino acid residue, is not located withi n the splice consensus sequence, and has been identified in 1/3738 African Ameri can chromosomes from a broad population by the NHLBI Exome Sequencing Project.

Natera, Inc.
Classification: Likely benign for Usher syndrome type 2A. Last evaluated: 2020-05-01. Review status: no assertion criteria provided. Collection method: clinical testing. Allele origin: germline. Not counted in ClinVar's aggregate classification.